The following is an entry in ClinVar:

ClinVar aggregate classification (germline): Pathogenic (1 of 4 stars; one submission).

Allele frequency attached by ClinVar (database versions not stated): TOPMed below 0.00001; gnomAD 0.00001.
gnomAD v4.1: 2 of 1,613,944 alleles (0.00012%); highest among the groups gnomAD compares: Non-Finnish European, 0.000085%; no homozygotes.

Submission:

Labcorp Genetics (formerly Invitae), Labcorp
Classification: Pathogenic. Last evaluated: 2023-08-30. Review status: criteria provided, single submitter. Criteria: Invitae Variant Classification Sherloc (09022015). Collection method: clinical testing. Allele origin: germline.
Comment: This sequence change creates a premature translational stop signal (p.Trp643*) in the FREM2 gene. It is expected to result in an absent or disrupted protein product. Loss-of-function variants in FREM2 are known to be pathogenic (PMID: 18203166, 26552811). This variant is not present in population databases (gnomAD no frequency). This variant has not been reported in the literature in individuals affected with FREM2-related conditions. For these reasons, this variant has been classified as Pathogenic.

Literature cited by the submitters: PubMed 18203166; PubMed 26552811.

NM_207361.6(FREM2):c.1928G>A (p.Trp643Ter)

Gene: FREM2 (FRAS1 related extracellular matrix 2; plus strand). Cytogenetic location: 13q13.3.
Variant type: single nucleotide variant.
Coding change: c.1928G>A on transcript NM_207361.6 (MANE Select); coding-DNA position 1928, G replaced by A.
Protein change: p.Trp643Ter; replaces tryptophan 643 with a stop codon.
Molecular consequence: nonsense.
Genome position (GRCh38, 1-based): chr13:38,689,272, G>A. VCF-style: chr13-38689272-G-A. GRCh37 (hg19) VCF-style: chr13-39263409-G-A.
Other names: short protein forms W643*.
Identifiers: ClinVar variation 3007028 (VCV003007028.3), dbSNP rs897320496, ClinGen allele CA248287949.